The following is an entry in ClinVar:

NM_005956.4(MTHFD1):c.730G>T (p.Asp244Tyr)

Gene: MTHFD1 (methylenetetrahydrofolate dehydrogenase, cyclohydrolase and formyltetrahydrofolate synthetase 1; plus strand). Cytogenetic location: 14q23.3.
Variant type: single nucleotide variant.
Coding change: c.730G>T on transcript NM_005956.4 (MANE Select); coding-DNA position 730, G replaced by T.
Protein change: p.Asp244Tyr; replaces aspartic acid 244 with tyrosine.
Molecular consequence: missense variant.
Genome position (GRCh38, 1-based): chr14:64,424,806, G>T. VCF-style: chr14-64424806-G-T. GRCh37 (hg19) VCF-style: chr14-64891524-G-T.
Other names: c.730G>T, p.Asp244Tyr (NM_001364837.1); short protein forms D244Y.
Identifiers: ClinVar variation 1473042 (VCV001473042.8), dbSNP rs2140963092, ClinGen allele CA389982796.

ClinVar aggregate classification (germline): Uncertain significance (1 of 4 stars; one submission).

Allele frequency attached by ClinVar (database versions not stated): gnomAD exomes below 0.00001.
gnomAD v4.1: 1 of 1,614,008 alleles (0.000062%); highest among the groups gnomAD compares: Non-Finnish European, 0.000085%; no homozygotes.

Submission:

Labcorp Genetics (formerly Invitae), Labcorp
Classification: Uncertain significance. Last evaluated: 2023-08-10. Review status: criteria provided, single submitter. Criteria: Invitae Variant Classification Sherloc (09022015). Collection method: clinical testing. Allele origin: germline.
Comment: An algorithm developed to predict the effect of missense changes on protein structure and function (PolyPhen-2) suggests that this variant is likely to be tolerated. This sequence change replaces aspartic acid, which is acidic and polar, with tyrosine, which is neutral and polar, at codon 244 of the MTHFD1 protein (p.Asp244Tyr). This variant is not present in population databases (gnomAD no frequency). This variant has not been reported in the literature in individuals affected with MTHFD1-related conditions. ClinVar contains an entry for this variant (Variation ID: 1473042). In summary, the available evidence is currently insufficient to determine the role of this variant in disease. Therefore, it has been classified as a Variant of Uncertain Significance.